The following is an entry in ClinVar:

NM_005559.4(LAMA1):c.8280_8306dup (p.Leu2768_His2769insGlnAlaAspTyrAlaValLeuGlnLeu)

Gene: LAMA1 (laminin subunit alpha 1; minus strand). Cytogenetic location: 18p11.31.
Variant type: Duplication.
Coding change: c.8280_8306dup on transcript NM_005559.4 (MANE Select); coding-DNA positions 8280 to 8306, 27 bases duplicated (AGCAGACTACGCTGTGCTCCAGCTGCA).
Protein change: p.Leu2768_His2769insGlnAlaAspTyrAlaValLeuGlnLeu.
Genome position (GRCh38, 1-based): chr18:6,950,873-6,950,899, TGCAGCTGGAGCACAGCGTAGTCTGCT duplicated on the plus strand (AGCAGACTACGCTGTGCTCCAGCTGCA on the coding strand, the reverse complement: LAMA1 is on the minus strand); duplicating any 27 consecutive bases within chr18:6,950,873-6,950,901 gives the same sequence; the c. name uses the placement nearest the transcript's 3' end. VCF-style (leftmost placement, unchanged base first): chr18-6950872-G-GTGCAGCTGGAGCACAGCGTAGTCTGCT. GRCh37 (hg19) VCF-style: chr18-6950871-G-GTGCAGCTGGAGCACAGCGTAGTCTGCT.
Other names: p.Gln2760_Leu2768dup.
Identifiers: ClinVar variation 3380537 (VCV003380537.1).

ClinVar aggregate classification (germline): Uncertain significance (1 of 4 stars; one submission).

Submission:

Mayo Clinic Laboratories, Mayo Clinic
Classification: Uncertain significance. Last evaluated: 2024-04-09. Review status: criteria provided, single submitter. Criteria: ACMG Guidelines, 2015. Collection method: clinical testing. Allele origin: germline. Observed: 1 variant allele.
Comment: PM2_moderate, PM4